The following is an entry in ClinVar:

NM_002878.4(RAD51D):c.292T>C (p.Tyr98His)

Genes: RAD51L3-RFFL (RAD51L3-RFFL readthrough; minus strand), RAD51D (RAD51 paralog D; minus strand). Cytogenetic location: 17q12.
Variant type: single nucleotide variant.
Coding change: c.292T>C on transcript NM_002878.4 (MANE Select); coding-DNA position 292, T replaced by C.
Protein change: p.Tyr98His; replaces tyrosine 98 with histidine.
Molecular consequence: missense variant. On other transcripts: non-coding transcript variant (2), intron variant (1).
Genome position (GRCh38, 1-based): chr17:35,107,419, A>G on the plus strand (T>C on the coding strand, the complement: RAD51D is on the minus strand). VCF-style: chr17-35107419-A-G. GRCh37 (hg19) VCF-style: chr17-33434438-A-G.
Other names: c.352T>C, p.Tyr118His (NM_001142571.2); c.145-938T>C (NM_133629.3); short protein forms Y98H, Y118H.
Identifiers: ClinVar variation 639137 (VCV000639137.10), dbSNP rs730881946, ClinGen allele CA399089981.

ClinVar aggregate classification (germline): Uncertain significance. Review status: criteria provided, multiple submitters, no conflicts (2 of 4 stars). 2 submissions from 2 submitters: Uncertain significance (2). Last evaluated 2023-02-02.

Conditions:
Hereditary cancer-predisposing syndrome. Also called: Neoplastic Syndromes, Hereditary; Tumor predisposition; Hereditary Cancer Syndrome; Hereditary neoplastic syndrome. Identifiers: Orphanet 140162, MedGen C0027672, MeSH D009386, MONDO:0015356.
Breast-ovarian cancer, familial, susceptibility to, 4. Identifiers: Orphanet 145, MedGen C3280345, MONDO:0013669, OMIM 614291.

Submissions (2):

Ambry Genetics
Classification: Uncertain significance for Hereditary cancer-predisposing syndrome. Last evaluated: 2023-02-02. Review status: criteria provided, single submitter. Criteria: Ambry Variant Classification Scheme 2023. Collection method: clinical testing. Allele origin: germline.
Comment: The p.Y98H variant (also known as c.292T>C), located in coding exon 4 of the RAD51D gene, results from a T to C substitution at nucleotide position 292. The tyrosine at codon 98 is replaced by histidine, an amino acid with similar properties. This amino acid position is highly conserved in available vertebrate species. In addition, this alteration is predicted to be deleterious by in silico analysis. Since supporting evidence is limited at this time, the clinical significance of this alteration remains unclear.

Labcorp Genetics (formerly Invitae), Labcorp
Classification: Uncertain significance for Breast-ovarian cancer, familial, susceptibility to, 4. Last evaluated: 2022-08-25. Review status: criteria provided, single submitter. Criteria: Invitae Variant Classification Sherloc (09022015). Collection method: clinical testing. Allele origin: germline.
Comment: In summary, the available evidence is currently insufficient to determine the role of this variant in disease. Therefore, it has been classified as a Variant of Uncertain Significance. Algorithms developed to predict the effect of missense changes on protein structure and function are either unavailable or do not agree on the potential impact of this missense change (SIFT: "Tolerated"; PolyPhen-2: "Probably Damaging"; Align-GVGD: "Class C0"). ClinVar contains an entry for this variant (Variation ID: 639137). This variant has not been reported in the literature in individuals affected with RAD51D-related conditions. This variant is not present in population databases (gnomAD no frequency). This sequence change replaces tyrosine, which is neutral and polar, with histidine, which is basic and polar, at codon 98 of the RAD51D protein (p.Tyr98His).